The following is an entry in ClinVar:

ClinVar aggregate classification (germline): Uncertain significance. Review status: criteria provided, multiple submitters, no conflicts (2 of 4 stars). 2 submissions from 2 submitters: Uncertain significance (2). Last evaluated 2026-07-31.

Conditions:
Hereditary cancer-predisposing syndrome. Also called: Hereditary Cancer Syndrome; Hereditary neoplastic syndrome; Neoplastic Syndromes, Hereditary; Tumor predisposition. Identifiers: Orphanet 140162, MedGen C0027672, MeSH D009386, MONDO:0015356.
Familial thoracic aortic aneurysm and aortic dissection (TAAD). Also called: Thoracic aortic aneurysms and dissections. Identifiers: Orphanet 91387, MedGen C4707243, MONDO:0019625.
Juvenile polyposis syndrome (JPS). Identifiers: Orphanet 2929, MedGen C0345893, MONDO:0017380, OMIM 174900.

Submissions (2):

Ambry Genetics
Classification: Uncertain significance for Hereditary cancer-predisposing syndrome; Familial thoracic aortic aneurysm and aortic dissection. Last evaluated: 2026-07-31. Review status: criteria provided, single submitter. Criteria: Ambry Variant Classification Scheme 2023. Collection method: clinical testing. Allele origin: germline.
Comment: The p.A15S variant (also known as c.43G>T), located in coding exon 1 of the SMAD4 gene, results from a G to T substitution at nucleotide position 43. The alanine at codon 15 is replaced by serine, an amino acid with similar properties. This amino acid position is highly conserved in available vertebrate species. In addition, this alteration is predicted to be deleterious by in silico analysis. Based on the available evidence, the clinical significance of this variant remains unclear.

Labcorp Genetics (formerly Invitae), Labcorp
Classification: Uncertain significance for Juvenile polyposis syndrome. Last evaluated: 2023-05-22. Review status: criteria provided, single submitter. Criteria: Invitae Variant Classification Sherloc (09022015). Collection method: clinical testing. Allele origin: germline.
Comment: In summary, the available evidence is currently insufficient to determine the role of this variant in disease. Therefore, it has been classified as a Variant of Uncertain Significance. Advanced modeling of protein sequence and biophysical properties (such as structural, functional, and spatial information, amino acid conservation, physicochemical variation, residue mobility, and thermodynamic stability) has been performed at Invitae for this missense variant, however the output from this modeling did not meet the statistical confidence thresholds required to predict the impact of this variant on SMAD4 protein function. This variant has not been reported in the literature in individuals affected with SMAD4-related conditions. This variant is not present in population databases (gnomAD no frequency). This sequence change replaces alanine, which is neutral and non-polar, with serine, which is neutral and polar, at codon 15 of the SMAD4 protein (p.Ala15Ser).

NM_005359.6(SMAD4):c.43G>T (p.Ala15Ser)

Gene: SMAD4 (SMAD family member 4; plus strand). Cytogenetic location: 18q21.2.
Variant type: single nucleotide variant.
Coding change: c.43G>T on transcript NM_005359.6 (MANE Select); coding-DNA position 43, G replaced by T.
Protein change: p.Ala15Ser; replaces alanine 15 with serine.
Molecular consequence: missense variant. On other transcripts: non-coding transcript variant (2).
Genome position (GRCh38, 1-based): chr18:51,047,089, G>T. VCF-style: chr18-51047089-G-T. GRCh37 (hg19) VCF-style: chr18-48573459-G-T.
Other names: c.43G>T, p.Ala15Ser (NM_001407041.1, NM_001407042.1, NM_001407043.1); short protein forms A15S.
Identifiers: ClinVar variation 2910020 (VCV002910020.5), dbSNP rs1909566748, ClinGen allele CA402457349.